The following is an entry in ClinVar:

NM_000352.6(ABCC8):c.833T>C (p.Ile278Thr)

Gene: ABCC8 (ATP binding cassette subfamily C member 8; minus strand). Cytogenetic location: 11p15.1.
Variant type: single nucleotide variant.
Coding change: c.833T>C on transcript NM_000352.6 (MANE Select); coding-DNA position 833, T replaced by C.
Protein change: p.Ile278Thr; replaces isoleucine 278 with threonine.
Molecular consequence: missense variant. On other transcripts: non-coding transcript variant (1).
Genome position (GRCh38, 1-based): chr11:17,460,666, A>G on the plus strand (T>C on the coding strand, the complement: ABCC8 is on the minus strand). VCF-style: chr11-17460666-A-G. GRCh37 (hg19) VCF-style: chr11-17482213-A-G.
Other names: c.830T>C, p.Ile277Thr (NM_001351297.2, NM_001351296.2); c.833T>C, p.Ile278Thr (NM_001287174.3, NM_001351295.2); short protein forms I277T, I278T.
Identifiers: ClinVar variation 4847558 (VCV004847558.1).
Genomic context (GRCh38, chr11:17,460,666, plus strand): 5'-CGCCTCCCGAAGGCATGGCTGAGTGCCTGCCAGATGGCCCGGGCACCTTGAGTGCCCTGA[A>G]TGTCCTTCCGCTGCCCAGAGAGACCATGGCCAGGTCAGAGTGCCTGAGGGCTAATTCACG-3'
Protein context (NP_000343.2, residues 268-288): EAFDAQVRKD[Ile278Thr]QGTQGARAIW

ClinVar aggregate classification (germline): Uncertain significance (1 of 4 stars; one submission).

Submission:

Women's Health and Genetics/Laboratory Corporation of America, LabCorp
Classification: Uncertain significance. Last evaluated: 2026-03-30. Review status: criteria provided, single submitter. Criteria: LabCorp Variant Classification Summary - May 2015. Collection method: clinical testing. Allele origin: germline.
Comment: Variant summary: ABCC8 c.833T>C (p.Ile278Thr) results in a non-conservative amino acid change in the encoded protein sequence. Algorithms developed to predict the effect of missense changes on protein structure and function are either unavailable or do not agree on the potential impact of this missense change. The variant was absent in 244742 control chromosomes. The available data on variant occurrences in the general population are insufficient to allow any conclusion about variant significance. To our knowledge, no occurrence of c.833T>C in individuals affected with ABCC8-related conditions and no experimental evidence demonstrating its impact on protein function have been reported. No submitters have cited clinical-significance assessments for this variant to ClinVar. Based on the evidence outlined above, the variant was classified as uncertain significance.